The following is an entry in ClinVar:

NM_000136.3(FANCC):c.-79+19942T>C

Gene: FANCC (FA complementation group C; minus strand). Cytogenetic location: 9q22.32.
Variant type: single nucleotide variant.
Coding change: c.-79+19942T>C on transcript NM_000136.3 (MANE Select); 19942 bases into the intron after 79 bases upstream of the start codon, T replaced by C.
Molecular consequence: intron variant.
Genome position (GRCh38, 1-based): chr9:95,297,584, A>G on the plus strand (T>C on the coding strand, the complement: FANCC is on the minus strand). VCF-style: chr9-95297584-A-G. GRCh37 (hg19) VCF-style: chr9-98059866-A-G.
Other names: c.-79+19545T>C (NM_001243743.2); c.-79+19942T>C (NM_001243744.2).
Identifiers: ClinVar variation 1699866 (VCV001699866.2), dbSNP rs4647375, ClinGen allele CA196948683.

ClinVar aggregate classification (germline): Likely benign (1 of 4 stars; one submission).

Allele frequency attached by ClinVar (database versions not stated): gnomAD 0.00894 and 0.00948; 1000 Genomes Project 0.00919; 1000 Genomes Project 30x 0.00984; TOPMed 0.00987.
gnomAD v4.1: 1,343 of 152,288 alleles (0.88%); highest among the groups gnomAD compares: African/African-American, 3.1%; 23 homozygotes.

Submission:

GeneDx
Classification: Likely benign. Last evaluated: 2022-02-01. Review status: criteria provided, single submitter. Criteria: GeneDx Variant Classification Process June 2021. Collection method: clinical testing. Allele origin: germline. Affected: yes.
Comment: See Variant Classification Assertion Criteria.